The following is an entry in ClinVar:

ClinVar aggregate classification (germline): Uncertain significance. Review status: criteria provided, multiple submitters, no conflicts (2 of 4 stars). 3 submissions from 3 submitters: Uncertain significance (3). Last evaluated 2022-08-01.

Conditions:
COG5-congenital disorder of glycosylation. Also called: COG5-CDG; CDG IIi; CONGENITAL DISORDER OF GLYCOSYLATION, TYPE IIi. Identifiers: Orphanet 263487, MedGen C3150876, MONDO:0013325, OMIM 613612.

Allele frequency attached by ClinVar (database versions not stated): gnomAD 0.00001; gnomAD exomes 0.00001 and 0.00002; TOPMed 0.00002.
gnomAD v4.1: 9 of 1,613,628 alleles (0.00056%); highest among the groups gnomAD compares: Admixed American, 0.01%; no homozygotes.

Submissions (3):

Labcorp Genetics (formerly Invitae), Labcorp
Classification: Uncertain significance for COG5-congenital disorder of glycosylation. Last evaluated: 2022-08-01. Review status: criteria provided, single submitter. Criteria: Invitae Variant Classification Sherloc (09022015). Collection method: clinical testing. Allele origin: germline.
Comment: This sequence change replaces methionine, which is neutral and non-polar, with isoleucine, which is neutral and non-polar, at codon 317 of the COG5 protein (p.Met317Ile). This variant is present in population databases (no rsID available, gnomAD 0.01%). This variant has not been reported in the literature in individuals affected with COG5-related conditions. ClinVar contains an entry for this variant (Variation ID: 908785). Algorithms developed to predict the effect of missense changes on protein structure and function (SIFT, PolyPhen-2, Align-GVGD) all suggest that this variant is likely to be tolerated. In summary, the available evidence is currently insufficient to determine the role of this variant in disease. Therefore, it has been classified as a Variant of Uncertain Significance.

Fulgent Genetics
Classification: Uncertain significance for COG5-congenital disorder of glycosylation. Last evaluated: 2021-11-30. Review status: criteria provided, single submitter. Criteria: ACMG Guidelines, 2015. Collection method: clinical testing. Allele origin: unknown.

Illumina Laboratory Services, Illumina
Classification: Uncertain significance for COG5-congenital disorder of glycosylation. Last evaluated: 2018-01-13. Review status: criteria provided, single submitter. Criteria: ICSL Variant Classification Criteria 13 December 2019. Collection method: clinical testing. Allele origin: germline.

NM_006348.5(COG5):c.858G>A (p.Met286Ile)

Gene: COG5 (component of oligomeric golgi complex 5; minus strand). Cytogenetic location: 7q22.3.
Variant type: single nucleotide variant.
Coding change: c.858G>A on transcript NM_006348.5 (MANE Select); coding-DNA position 858, G replaced by A.
Protein change: p.Met286Ile; replaces methionine 286 with isoleucine.
Molecular consequence: missense variant. On other transcripts: intron variant (2).
Genome position (GRCh38, 1-based): chr7:107,362,398, C>T on the plus strand (G>A on the coding strand, the complement: COG5 is on the minus strand). VCF-style: chr7-107362398-C-T. GRCh37 (hg19) VCF-style: chr7-107002843-C-T.
Other names: c.858G>A, p.Met286Ile (NM_001161520.2, NM_001379511.1, NM_001379512.1 and 3 more transcripts); c.235-288G>A (NM_001379516.1); c.539-64052G>A (NM_001379515.1); short protein forms M286I.
Identifiers: ClinVar variation 908785 (VCV000908785.7), dbSNP rs1325740175, ClinGen allele CA368940233.